The following is an entry in ClinVar:

ClinVar aggregate classification (germline): Uncertain significance (1 of 4 stars; one submission).

Conditions:
Hereditary cancer-predisposing syndrome. Also called: Neoplastic Syndromes, Hereditary; Tumor predisposition; Hereditary Cancer Syndrome; Hereditary neoplastic syndrome. Identifiers: Orphanet 140162, MedGen C0027672, MeSH D009386, MONDO:0015356.

gnomAD v4.1: 1 of 1,613,982 alleles (0.000062%); highest among the groups gnomAD compares: East Asian, 0.0022%; no homozygotes.

Submission:

Ambry Genetics
Classification: Uncertain significance for Hereditary cancer-predisposing syndrome. Last evaluated: 2025-07-04. Review status: criteria provided, single submitter. Criteria: Ambry Variant Classification Scheme 2023. Collection method: clinical testing. Allele origin: germline.
Comment: The p.S1195T variant (also known as c.3583T>A), located in coding exon 18 of the BLM gene, results from a T to A substitution at nucleotide position 3583. The serine at codon 1195 is replaced by threonine, an amino acid with similar properties. This amino acid position is conserved. In addition, this alteration is predicted to be tolerated by in silico analysis. Based on the available evidence, the clinical significance of this variant remains unclear.

NM_000057.4(BLM):c.3583T>A (p.Ser1195Thr)

Gene: BLM (BLM RecQ like helicase; plus strand). Cytogenetic location: 15q26.1.
Variant type: single nucleotide variant.
Coding change: c.3583T>A on transcript NM_000057.4 (MANE Select); coding-DNA position 3583, T replaced by A.
Protein change: p.Ser1195Thr; replaces serine 1195 with threonine.
Molecular consequence: missense variant. On other transcripts: intron variant (1).
Genome position (GRCh38, 1-based): chr15:90,804,191, T>A. VCF-style: chr15-90804191-T-A. GRCh37 (hg19) VCF-style: chr15-91347421-T-A.
Other names: c.3583T>A, p.Ser1195Thr (NM_001287246.2); c.2458T>A, p.Ser820Thr (NM_001287248.2); c.3359-4946T>A (NM_001287247.2); short protein forms S1195T, S820T.
Identifiers: ClinVar variation 4211676 (VCV004211676.1).